The following is an entry in ClinVar:

NM_018051.5(DYNC2I1):c.2985G>A (p.Gln995=)

Gene: DYNC2I1 (dynein 2 intermediate chain 1; plus strand). Cytogenetic location: 7q36.3.
Variant type: single nucleotide variant.
Coding change: c.2985G>A on transcript NM_018051.5 (MANE Select); coding-DNA position 2985, G replaced by A.
Protein change: p.Gln995=; no amino-acid change (glutamine 995 retained).
Molecular consequence: synonymous variant.
Genome position (GRCh38, 1-based): chr7:158,942,131, G>A. VCF-style: chr7-158942131-G-A. GRCh37 (hg19) VCF-style: chr7-158734822-G-A.
Other names: c.2985G>A (NM_018051.4); c.2847G>A, p.Gln949= (NM_001350914.2); c.2412G>A, p.Gln804= (NM_001350915.2); c.1524G>A, p.Gln508= (NM_001350916.2); c.1737G>A, p.Gln579= (NM_001350917.2, NM_001350918.2).
Identifiers: ClinVar variation 1680731 (VCV001680731.9), dbSNP rs534300999, ClinGen allele CA4595157.

ClinVar aggregate classification (germline): Benign/Likely benign. Review status: criteria provided, multiple submitters, no conflicts (2 of 4 stars). 2 submissions from 2 submitters: Benign (1); Likely benign (1). Last evaluated 2025-12-05.

Conditions:
DYNC2I1-related disorder. Also called: DYNC2I1-related condition.
Short-rib thoracic dysplasia 8 with or without polydactyly (SRTD8). Also called: SHORT-RIB THORACIC DYSPLASIA 8 WITH POLYDACTYLY. Identifiers: Orphanet 93271, MedGen C3809691, MONDO:0014214, OMIM 615503.

Allele frequency attached by ClinVar (database versions not stated): TOPMed 0.00006; gnomAD 0.00009; 1000 Genomes Project 30x 0.00016; 1000 Genomes Project 0.00020; ExAC 0.00032; gnomAD exomes 0.00039.
gnomAD v4.1: 316 of 1,557,652 alleles (0.02%); highest among the groups gnomAD compares: South Asian, 0.35%; 2 homozygotes.

Submissions (2):

PreventionGenetics, part of Exact Sciences
Classification: Likely benign for DYNC2I1-related condition. Last evaluated: 2025-12-05. Review status: criteria provided, single submitter. Criteria: ACMG Guidelines, 2015. Collection method: clinical testing. Allele origin: germline.
Comment: This variant is classified as likely benign based on ACMG/AMP sequence variant interpretation guidelines (Richards et al. 2015 PMID: 25741868, with internal and published modifications).

Labcorp Genetics (formerly Invitae), Labcorp
Classification: Benign for Short-rib thoracic dysplasia 8 with or without polydactyly. Last evaluated: 2025-06-11. Review status: criteria provided, single submitter. Criteria: Invitae Variant Classification Sherloc (09022015). Collection method: clinical testing. Allele origin: germline.